The following is an entry in ClinVar:

NM_000642.3(AGL):c.3836+2T>C

Gene: AGL (amylo-alpha-1,6-glucosidase and 4-alpha-glucanotransferase; plus strand). Cytogenetic location: 1p21.2.
Variant type: single nucleotide variant.
Coding change: c.3836+2T>C on transcript NM_000642.3 (MANE Select); the canonical splice donor site of the intron after coding-DNA position 3836, T replaced by C.
Molecular consequence: splice donor variant.
Genome position (GRCh38, 1-based): chr1:99,910,849, T>C. VCF-style: chr1-99910849-T-C. GRCh37 (hg19) VCF-style: chr1-100376405-T-C.
Other names: c.3836+2T>C (NM_000643.3, NM_000644.3, NM_001425325.1 and 1 more transcripts); c.3788+2T>C (NM_000646.3); c.3815+2T>C (NM_001425326.1); c.3635+2T>C (NM_001425327.1); c.3632+2T>C (NM_001425328.1); c.3497+2T>C (NM_001425329.1); c.3458+2T>C (NM_001425332.1).
Identifiers: ClinVar variation 4770187 (VCV004770187.1).

ClinVar aggregate classification (germline): Likely pathogenic (1 of 4 stars; one submission).

Conditions:
Glycogen storage disease type III (GSD3). Also called: FORBES DISEASE; Cori disease. Identifiers: Orphanet 366, MedGen C0017922, MONDO:0009291, OMIM 232400.

gnomAD v4.1: 2 of 1,612,046 alleles (0.00012%); highest among the groups gnomAD compares: Non-Finnish European, 0.00017%; no homozygotes.

Submission:

Labcorp Genetics (formerly Invitae), Labcorp
Classification: Likely pathogenic for Glycogen storage disease type III. Last evaluated: 2025-12-31. Review status: criteria provided, single submitter. Criteria: Invitae Variant Classification Sherloc (09022015). Collection method: clinical testing. Allele origin: germline.
Comment: This sequence change affects a donor splice site in intron 28 of the AGL gene. It is expected to disrupt RNA splicing. Variants that disrupt the donor or acceptor splice site typically lead to a loss of protein function (PMID: 16199547), and loss-of-function variants in AGL are known to be pathogenic (PMID: 19299494). This variant is present in population databases (rs189180846, gnomAD 0.0009%). This variant has not been reported in the literature in individuals affected with AGL-related conditions. Algorithms developed to predict the effect of sequence changes on RNA splicing suggest that this variant may disrupt the consensus splice site. In summary, the currently available evidence indicates that the variant is pathogenic, but additional data are needed to prove that conclusively. Therefore, this variant has been classified as Likely Pathogenic.

Literature cited by the submitters: PubMed 16199547; PubMed 19299494.